The following is an entry in ClinVar:

ClinVar aggregate classification (germline): Uncertain significance (1 of 4 stars; one submission).

Allele frequency attached by ClinVar (database versions not stated): gnomAD exomes below 0.00001; TOPMed below 0.00001; ExAC 0.00001; gnomAD 0.00001.
gnomAD v4.1: 5 of 1,208,760 alleles (0.00041%); highest among the groups gnomAD compares: Non-Finnish European, 0.00056%; no homozygotes.

Submission:

Institute for Clinical Genetics, University Hospital TU Dresden, University Hospital TU Dresden
Classification: Uncertain significance. Last evaluated: 2022-03-22. Review status: criteria provided, single submitter. Criteria: ACMG Guidelines, 2015. Collection method: clinical testing. Allele origin: germline.
Comment: PM1, PM2_SUP

NM_031407.7(HUWE1):c.4654G>A (p.Gly1552Ser)

Gene: HUWE1 (HECT, UBA and WWE domain containing E3 ubiquitin protein ligase 1; minus strand). Cytogenetic location: Xp11.22.
Variant type: single nucleotide variant.
Coding change: c.4654G>A on transcript NM_031407.7 (MANE Select); coding-DNA position 4654, G replaced by A.
Protein change: p.Gly1552Ser; replaces glycine 1552 with serine.
Molecular consequence: missense variant.
Genome position (GRCh38, 1-based): chrX:53,586,870, C>T on the plus strand (G>A on the coding strand, the complement: HUWE1 is on the minus strand). VCF-style: chrX-53586870-C-T. GRCh37 (hg19) VCF-style: chrX-53613830-C-T.
Other names: short protein forms G1552S.
Identifiers: ClinVar variation 2575954 (VCV002575954.1), dbSNP rs782220424, ClinGen allele CA10422365.
Genomic context (GRCh38, chrX:53,586,870, plus strand): 5'-TGGCTGCCTGGAGGCAGGGCTGAACCACTTCCAAGAGTTTGATTAGGACATTAAGGATGC[C>T]ACTTGATTCAACCACCCAAGCACAAGGTAGCTTCAACTCCTGATAGATCAAAGGGAAAAA-3'
Protein context (NP_113584.3, residues 1542-1562): LPCAWVVESS[Gly1552Ser]ILNVLIKLLE